The following is an entry in ClinVar:

NM_001999.4(FBN2):c.5487C>T (p.Gly1829=)

Gene: FBN2 (fibrillin 2; minus strand). Cytogenetic location: 5q23.3.
Variant type: single nucleotide variant.
Coding change: c.5487C>T on transcript NM_001999.4 (MANE Select); coding-DNA position 5487, C replaced by T.
Protein change: p.Gly1829=; no amino-acid change (glycine 1829 retained).
Molecular consequence: synonymous variant.
Genome position (GRCh38, 1-based): chr5:128,305,884, G>A on the plus strand (C>T on the coding strand, the complement: FBN2 is on the minus strand). VCF-style: chr5-128305884-G-A. GRCh37 (hg19) VCF-style: chr5-127641576-G-A.
Identifiers: ClinVar variation 350769 (VCV000350769.16), dbSNP rs375136629, ClinGen allele CA3394686.
Genomic context (GRCh38, chr5:128,305,884, plus strand): 5'-TTCACAAACCAACAGCAGGTCATTGTAACTGAATCCTGTAGGGCATTCACAGCGGAAACT[G>A]CCAATCTGGTTAATGCACACACCATTTGCACAAATGCCTGGAATCTCTTTACATTCATCA-3'
Protein context (NP_001990.2, residues 1819-1839): CANGVCINQI[Gly1829=]SFRCECPTGF

ClinVar aggregate classification (germline): Benign/Likely benign. Review status: criteria provided, multiple submitters, no conflicts (2 of 4 stars). 7 submissions from 7 submitters: Benign (3); Likely benign (4). Last evaluated 2025-10-11.

Conditions:
Congenital contractural arachnodactyly (CCA). Also called: BEALS SYNDROME; Beals-Hecht syndrome; Arthrogryposis, distal, type 9. Identifiers: Orphanet 115, MedGen C0220668, MONDO:0007363, OMIM 121050.
Ehlers-Danlos syndrome (EDS). Identifiers: Orphanet 98249, MedGen C0013720, MONDO:0020066.
Familial thoracic aortic aneurysm and aortic dissection (TAAD). Also called: Thoracic aortic aneurysms and dissections. Identifiers: Orphanet 91387, MedGen C4707243, MONDO:0019625.

Allele frequency attached by ClinVar (database versions not stated): gnomAD 0.00001 and 0.00003; TOPMed 0.00002; gnomAD exomes 0.00005 and 0.00008; ESP Exome Variant Server 0.00008; ExAC 0.00011.
gnomAD v4.1: 76 of 1,613,576 alleles (0.0047%); highest among the groups gnomAD compares: South Asian, 0.051%; 2 homozygotes.

Submissions (7):

Labcorp Genetics (formerly Invitae), Labcorp
Classification: Benign for Congenital contractural arachnodactyly. Last evaluated: 2025-10-11. Review status: criteria provided, single submitter. Criteria: Invitae Variant Classification Sherloc (09022015). Collection method: clinical testing. Allele origin: germline.

Women's Health and Genetics/Laboratory Corporation of America, LabCorp
Classification: Benign. Last evaluated: 2023-08-10. Review status: criteria provided, single submitter. Criteria: LabCorp Variant Classification Summary - May 2015. Collection method: clinical testing. Allele origin: germline.

Ambry Genetics
Classification: Likely benign for Familial thoracic aortic aneurysm and aortic dissection. Last evaluated: 2022-12-18. Review status: criteria provided, single submitter. Criteria: Ambry Variant Classification Scheme 2023. Collection method: clinical testing. Allele origin: germline.

Genome Diagnostics Laboratory, The Hospital for Sick Children
Classification: Benign for Ehlers-Danlos syndrome. Last evaluated: 2021-06-23. Review status: criteria provided, single submitter. Criteria: ACMG Guidelines, 2015. Collection method: clinical testing. Allele origin: germline.

Illumina Laboratory Services, Illumina
Classification: Likely benign for Congenital contractural arachnodactyly. Last evaluated: 2018-01-13. Review status: criteria provided, single submitter. Criteria: ICSL Variant Classification Criteria 13 December 2019. Collection method: clinical testing. Allele origin: germline.
Comment: This variant was observed in the ICSL laboratory as part of a predisposition screen in an ostensibly healthy population. It had not been previously curated by ICSL or reported in the Human Gene Mutation Database (HGMD: prior to June 1st, 2018), and was therefore a candidate for classification through an automated scoring system. Utilizing variant allele frequency, disease prevalence and penetrance estimates, and inheritance mode, an automated score was calculated to assess if this variant is too frequent to cause the disease. Based on the score and internal cut-off values, a variant classified as likely benign is not then subjected to further curation. The score for this variant resulted in a classification of likely benign for this disease.

GeneDx
Classification: Likely benign. Last evaluated: 2017-02-10. Review status: criteria provided, single submitter. Criteria: GeneDx Variant Classification (06012015). Collection method: clinical testing. Allele origin: germline. Affected: yes.
Comment: This variant is considered likely benign or benign based on one or more of the following criteria: it is a conservative change, it occurs at a poorly conserved position in the protein, it is predicted to be benign by multiple in silico algorithms, and/or has population frequency not consistent with disease.

Breakthrough Genomics
Classification: Likely benign. Review status: criteria provided, single submitter. Criteria: ACMG Guidelines, 2015. Collection method: not provided. Allele origin: germline. Inheritance: Autosomal dominant inheritance. Affected: yes.